The following is an entry in ClinVar:

NM_000834.5(GRIN2B):c.250C>T (p.Arg84Cys)

Gene: GRIN2B (glutamate ionotropic receptor NMDA type subunit 2B; minus strand). Cytogenetic location: 12p13.1.
Variant type: single nucleotide variant.
Coding change: c.250C>T on transcript NM_000834.5 (MANE Select); coding-DNA position 250, C replaced by T.
Protein change: p.Arg84Cys; replaces arginine 84 with cysteine.
Molecular consequence: missense variant.
Genome position (GRCh38, 1-based): chr12:13,865,959, G>A on the plus strand (C>T on the coding strand, the complement: GRIN2B is on the minus strand). VCF-style: chr12-13865959-G-A. GRCh37 (hg19) VCF-style: chr12-14018893-G-A.
Other names: short protein forms R84C.
Identifiers: ClinVar variation 699210 (VCV000699210.24), dbSNP rs1260965687, ClinGen allele CA384054242.

ClinVar aggregate classification (germline): Conflicting classifications of pathogenicity. Review status: criteria provided, conflicting classifications (1 of 4 stars). 3 submissions from 3 submitters: Uncertain significance (2); Likely benign (1). Last evaluated 2024-11-01.

Conditions:
Intellectual developmental disorder, autosomal dominant 6, with or without seizures. Also called: Intellectual disability, autosomal dominant 6; GRIN2B-related developmental delay, intellectual disability and autism spectrum disorder. Identifiers: Orphanet 589547, MedGen C3151411, MONDO:0013509, OMIM 613970.
Developmental and epileptic encephalopathy, 27 (DEE27). Also called: GRIN2B-Related Neurodevelopmental Disorder; Epileptic encephalopathy, early infantile, 27. Identifiers: Orphanet 3451, MedGen C4015316, MONDO:0014505, OMIM 616139.

Allele frequency attached by ClinVar (database versions not stated): gnomAD exomes below 0.00001; gnomAD 0.00001.
gnomAD v4.1: 7 of 1,613,882 alleles (0.00043%); highest among the groups gnomAD compares: Non-Finnish European, 0.00059%; no homozygotes.

Submissions (3):

CeGaT Center for Human Genetics Tuebingen
Classification: Uncertain significance. Last evaluated: 2024-11-01. Review status: criteria provided, single submitter. Criteria: CeGaT Center For Human Genetics Tuebingen Variant Classification Criteria Version 2. Collection method: clinical testing. Allele origin: germline. Affected: yes. Observed: 1 variant allele.
Comment: GRIN2B: PP2

Women's Health and Genetics/Laboratory Corporation of America, LabCorp
Classification: Uncertain significance. Last evaluated: 2024-08-02. Review status: criteria provided, single submitter. Criteria: LabCorp Variant Classification Summary - May 2015. Collection method: clinical testing. Allele origin: germline.
Comment: Variant summary: GRIN2B c.250C>T (p.Arg84Cys) results in a non-conservative amino acid change in the encoded protein sequence. Five of five in-silico tools predict a damaging effect of the variant on protein function. The variant allele was found at a frequency of 4e-06 in 251052 control chromosomes. The available data on variant occurrences in the general population are insufficient to allow any conclusion about variant significance. To our knowledge, no occurrence of c.250C>T in individuals affected with Mental Retardation, Autosomal Dominant 6 has been reported. One publication reports experimental evidence suggesting NMDA receptor function is not significantly affected in vitro (e.g. Myers_2023), however, the variant effect in diseae cannot currently be determined. The following publication has been ascertained in the context of this evaluation (PMID: 37369021). ClinVar contains an entry for this variant (Variation ID: 699210). Based on the evidence outlined above, the variant was classified as uncertain significance.

Labcorp Genetics (formerly Invitae), Labcorp
Classification: Likely benign for Developmental and epileptic encephalopathy, 27; Intellectual developmental disorder, autosomal dominant 6, with or without seizures. Last evaluated: 2018-12-21. Review status: criteria provided, single submitter. Criteria: Invitae Variant Classification Sherloc (09022015). Collection method: clinical testing. Allele origin: germline.

Literature cited by the submitters: PubMed 37369021 (cited by Women's Health and Genetics/Laboratory Corporation of America, LabCorp).